The following is an entry in ClinVar:

ClinVar aggregate classification (germline): Uncertain significance (1 of 4 stars; one submission).

Allele frequency attached by ClinVar (database versions not stated): gnomAD 0.00001; gnomAD exomes 0.00001; TOPMed 0.00002.
gnomAD v4.1: 13 of 1,612,636 alleles (0.00081%); highest among the groups gnomAD compares: East Asian, 0.0045%; no homozygotes.

Submission:

Labcorp Genetics (formerly Invitae), Labcorp
Classification: Uncertain significance. Last evaluated: 2022-07-12. Review status: criteria provided, single submitter. Criteria: Invitae Variant Classification Sherloc (09022015). Collection method: clinical testing. Allele origin: germline.
Comment: This sequence change replaces arginine, which is basic and polar, with cysteine, which is neutral and slightly polar, at codon 1662 of the ADGRV1 protein (p.Arg1662Cys). This variant is present in population databases (no rsID available, gnomAD 0.002%). This variant has not been reported in the literature in individuals affected with ADGRV1-related conditions. Algorithms developed to predict the effect of missense changes on protein structure and function (SIFT, PolyPhen-2, Align-GVGD) all suggest that this variant is likely to be disruptive. In summary, the available evidence is currently insufficient to determine the role of this variant in disease. Therefore, it has been classified as a Variant of Uncertain Significance.

NM_032119.4(ADGRV1):c.4984C>T (p.Arg1662Cys)

Gene: ADGRV1 (adhesion G protein-coupled receptor V1; plus strand). Cytogenetic location: 5q14.3.
Variant type: single nucleotide variant.
Coding change: c.4984C>T on transcript NM_032119.4 (MANE Select); coding-DNA position 4984, C replaced by T.
Protein change: p.Arg1662Cys; replaces arginine 1662 with cysteine.
Molecular consequence: missense variant. On other transcripts: non-coding transcript variant (1).
Genome position (GRCh38, 1-based): chr5:90,674,108, C>T. VCF-style: chr5-90674108-C-T. GRCh37 (hg19) VCF-style: chr5-89969925-C-T.
Other names: short protein forms R1662C.
Identifiers: ClinVar variation 1921172 (VCV001921172.2), dbSNP rs913229037, ClinGen allele CA122799235.